The following is an entry in ClinVar:

ClinVar aggregate classification (germline): Uncertain significance (1 of 4 stars; one submission).

Allele frequency attached by ClinVar (database versions not stated): gnomAD 0.00002; gnomAD exomes 0.00002 and 0.00001; ExAC 0.00002; ESP Exome Variant Server 0.00009; TOPMed 0.00003.
gnomAD v4.1: 7 of 1,211,100 alleles (0.00058%); highest among the groups gnomAD compares: Admixed American, 0.0022%; no homozygotes.

Submission:

GeneDx
Classification: Uncertain significance. Last evaluated: 2019-10-04. Review status: criteria provided, single submitter. Criteria: GeneDx Variant Classification Process June 2021. Collection method: clinical testing. Allele origin: germline. Affected: yes.
Comment: Not observed at a significant frequency in large population cohorts (Lek et al., 2016); In silico analysis, which includes protein predictors and evolutionary conservation, supports a deleterious effect; Has not been previously published as pathogenic or benign to our knowledge

NM_001123385.2(BCOR):c.1157C>A (p.Ala386Asp)

Genes: BCOR (BCL6 corepressor; minus strand), LOC126863239 (MED14-independent group 3 enhancer GRCh37_chrX:39932994-39934193; plus strand). Cytogenetic location: Xp11.4.
Variant type: single nucleotide variant.
Coding change: c.1157C>A on transcript NM_001123385.2 (MANE Select); coding-DNA position 1157, C replaced by A.
Protein change: p.Ala386Asp; replaces alanine 386 with aspartic acid.
Molecular consequence: missense variant.
Genome position (GRCh38, 1-based): chrX:40,074,189, G>T on the plus strand (C>A on the coding strand, the complement: BCOR is on the minus strand). VCF-style: chrX-40074189-G-T. GRCh37 (hg19) VCF-style: chrX-39933442-G-T.
Other names: c.1157C>A, p.Ala386Asp (NM_001123383.2, NM_001123384.2, NM_017745.6); short protein forms A386D.
Identifiers: ClinVar variation 1309190 (VCV001309190.2), dbSNP rs201980923, ClinGen allele CA10386962.